The following is an entry in ClinVar:

ClinVar aggregate classification (germline): Uncertain significance. Review status: criteria provided, single submitter (1 of 4 stars). 2 submissions from 2 submitters: Uncertain significance (1). 1 of the submissions does not count toward it. Last evaluated 2018-04-17.

Conditions:
MIR96-related condition.

Allele frequency attached by ClinVar (database versions not stated): gnomAD exomes 0.00002; gnomAD 0.00011 and 0.00013; TOPMed 0.00011; ExAC 0.00014; ESP Exome Variant Server 0.00020.

Submissions (2):

Laboratory for Molecular Medicine, Mass General Brigham Personalized Medicine
Classification: Uncertain significance. Last evaluated: 2018-04-17. Review status: criteria provided, single submitter. Criteria: LMM Criteria. Collection method: clinical testing. Allele origin: germline. Observed: 1 variant allele.
Comment: The c.-5C>T variant in MIR96 has not been previously reported in individuals wit h hearing loss, but has been identified in 10/17282 African chromosomes by the G enome Aggregation Database (gnomAD; dbSNP rs3 75368092). This variant is located in the 5?untranslated region (5'UTR), and var iants in this region could have an effect on transcriptional or translational re gulation. However, no pathogenic variants have been reported in the 5?UTR of MIR 96. In summary, the clinical significance of the c.-5C>T variant is uncertain. A CMG/AMP Criteria applied: None.

PreventionGenetics, part of Exact Sciences
Classification: Likely benign for MIR96-related condition. Last evaluated: 2024-09-27. Review status: no assertion criteria provided. Collection method: clinical testing. Allele origin: germline. Not counted in ClinVar's aggregate classification.
Comment: This variant is classified as likely benign based on ACMG/AMP sequence variant interpretation guidelines (Richards et al. 2015 PMID: 25741868, with internal and published modifications).

NC_000007.14:g.129774774G>A

Gene: MIR96 (microRNA 96; minus strand). Cytogenetic location: 7q32.2.
Variant type: single nucleotide variant.
Genome position: GRCh38 VCF-style: chr7-129774774-G-A. GRCh37 (hg19) VCF-style: chr7-129414614-G-A.
Identifiers: ClinVar variation 667262 (VCV000667262.5), dbSNP rs375368092, ClinGen allele CA4481371.
Genomic context (GRCh38, chr7:129,774,774, plus strand): 5'-TGATTGCTCAGAGCGGAGAGACACAAGCAAAAATGTGCTAGTGCCAAAATCGGCCAAGCA[G>A]ATGGCACTGGTGCGGGCTCTCTGGGGACACACTGGACGAGGGGCCTTGCATCCCTGCACC-3'